The following is an entry in ClinVar:

ClinVar aggregate classification (germline): Uncertain significance (1 of 4 stars; one submission).

Conditions:
FGF8-related disorder. Also called: FGF8-related condition.

gnomAD v4.1: 14 of 1,605,028 alleles (0.00087%); highest among the groups gnomAD compares: East Asian, 0.011%; no homozygotes.

Submission:

PreventionGenetics, part of Exact Sciences
Classification: Uncertain significance for FGF8-related condition. Last evaluated: 2025-01-17. Review status: criteria provided, single submitter. Criteria: ACMG Guidelines, 2015. Collection method: clinical testing. Allele origin: germline.
Comment: The FGF8 c.677C>T variant is predicted to result in the amino acid substitution p.Pro226Leu. To our knowledge, this variant has not been reported in the literature. This variant is reported in 0.0071% of alleles in individuals of African descent in gnomAD. At this time, the clinical significance of this variant is uncertain due to the absence of conclusive functional and genetic evidence.

NM_033163.5(FGF8):c.677C>T (p.Pro226Leu)

Gene: FGF8 (fibroblast growth factor 8; minus strand). Cytogenetic location: 10q24.32.
Variant type: single nucleotide variant.
Coding change: c.677C>T on transcript NM_033163.5 (MANE Select); coding-DNA position 677, C replaced by T.
Protein change: p.Pro226Leu; replaces proline 226 with leucine.
Molecular consequence: missense variant.
Genome position (GRCh38, 1-based): chr10:101,770,387, G>A on the plus strand (C>T on the coding strand, the complement: FGF8 is on the minus strand). VCF-style: chr10-101770387-G-A. GRCh37 (hg19) VCF-style: chr10-103530144-G-A.
Other names: c.365C>T, p.Pro122Leu (NM_001206389.2); c.590C>T, p.Pro197Leu (NM_006119.6); c.644C>T, p.Pro215Leu (NM_033164.4); c.557C>T, p.Pro186Leu (NM_033165.5); short protein forms P215L, P197L, P122L, P186L, P226L.
Identifiers: ClinVar variation 4986402 (VCV004986402.1).